The following is an entry in ClinVar:

ClinVar aggregate classification (germline): Likely benign. Review status: criteria provided, multiple submitters, no conflicts (2 of 4 stars). 3 submissions from 3 submitters: Likely benign (3). Last evaluated 2025-04-10.

Conditions:
Inborn genetic diseases. Identifiers: MedGen C0950123, MeSH D030342.

Allele frequency attached by ClinVar (database versions not stated): TOPMed 0.00002; gnomAD 0.00005 and 0.00006.
gnomAD v4.1: 50 of 1,536,004 alleles (0.0033%); highest among the groups gnomAD compares: South Asian, 0.0083%; no homozygotes.

Submissions (3):

Labcorp Genetics (formerly Invitae), Labcorp
Classification: Likely benign. Last evaluated: 2025-04-10. Review status: criteria provided, single submitter. Criteria: Invitae Variant Classification Sherloc (09022015). Collection method: clinical testing. Allele origin: germline.

CeGaT Center for Human Genetics Tuebingen
Classification: Likely benign. Last evaluated: 2023-12-01. Review status: criteria provided, single submitter. Criteria: CeGaT Center For Human Genetics Tuebingen Variant Classification Criteria Version 2. Collection method: clinical testing. Allele origin: germline. Affected: yes. Observed: 1 variant allele.
Comment: MDH2: BP4, BP7

Ambry Genetics
Classification: Likely benign for Inborn genetic diseases. Last evaluated: 2022-03-06. Review status: criteria provided, single submitter. Criteria: Ambry Variant Classification Scheme 2023. Collection method: clinical testing. Allele origin: germline.

NM_005918.4(MDH2):c.30C>T (p.Ser10=)

Gene: MDH2 (malate dehydrogenase 2; plus strand). Cytogenetic location: 7q11.23.
Variant type: single nucleotide variant.
Coding change: c.30C>T on transcript NM_005918.4 (MANE Select); coding-DNA position 30, C replaced by T.
Protein change: p.Ser10=; no amino-acid change (serine 10 retained).
Molecular consequence: synonymous variant. On other transcripts: 5 prime UTR variant (1), non-coding transcript variant (1).
Genome position (GRCh38, 1-based): chr7:76,048,190, C>T. VCF-style: chr7-76048190-C-T. GRCh37 (hg19) VCF-style: chr7-75677508-C-T.
Other names: c.30C>T, p.Ser10= (NM_001282403.2); c.-123C>T (NM_001282404.2).
Identifiers: ClinVar variation 1641449 (VCV001641449.32), dbSNP rs782755606, ClinGen allele CA4305386.